The following is an entry in ClinVar:

NM_001282531.3(ADNP):c.1345T>C (p.Cys449Arg)

Gene: ADNP (activity dependent neuroprotector homeobox; minus strand). Cytogenetic location: 20q13.13.
Variant type: single nucleotide variant.
Coding change: c.1345T>C on transcript NM_001282531.3 (MANE Select); coding-DNA position 1345, T replaced by C.
Protein change: p.Cys449Arg; replaces cysteine 449 with arginine.
Molecular consequence: missense variant.
Genome position (GRCh38, 1-based): chr20:50,893,369, A>G on the plus strand (T>C on the coding strand, the complement: ADNP is on the minus strand). VCF-style: chr20-50893369-A-G. GRCh37 (hg19) VCF-style: chr20-49509906-A-G.
Other names: c.1345T>C, p.Cys449Arg (NM_001282532.2, NM_001347511.2, NM_015339.5 and 1 more transcripts); short protein forms C449R.
Identifiers: ClinVar variation 1311337 (VCV001311337.2), dbSNP rs2122753673, ClinGen allele CA408973817.

ClinVar aggregate classification (germline): Uncertain significance (1 of 4 stars; one submission).

Submission:

GeneDx
Classification: Uncertain significance. Last evaluated: 2019-12-27. Review status: criteria provided, single submitter. Criteria: GeneDx Variant Classification Process June 2021. Collection method: clinical testing. Allele origin: germline. Affected: yes.
Comment: Not observed in large population cohorts (Lek et al., 2016); In silico analysis, which includes protein predictors and evolutionary conservation, supports a deleterious effect; Has not been previously published as pathogenic or benign to our knowledge